The following is an entry in ClinVar:

ClinVar aggregate classification (germline): Uncertain significance (1 of 4 stars; one submission).

Allele frequency attached by ClinVar (database versions not stated): gnomAD exomes below 0.00001.
gnomAD v4.1: 1 of 1,210,398 alleles (0.000083%); highest among the groups gnomAD compares: Non-Finnish European, 0.00011%; no homozygotes.

Submission:

GeneDx
Classification: Uncertain significance. Last evaluated: 2026-09-09. Review status: criteria provided, single submitter. Criteria: GeneDx Variant Classification Process June 2021. Collection method: clinical testing. Allele origin: germline.
Comment: Has not been previously published as pathogenic or benign to our knowledge; Not observed at significant frequency in large population cohorts (gnomAD); In silico analysis supports that this missense variant has a deleterious effect on protein structure/function

NM_031407.7(HUWE1):c.9532C>T (p.Arg3178Trp)

Gene: HUWE1 (HECT, UBA and WWE domain containing E3 ubiquitin protein ligase 1; minus strand). Cytogenetic location: Xp11.22.
Variant type: single nucleotide variant.
Coding change: c.9532C>T on transcript NM_031407.7 (MANE Select); coding-DNA position 9532, C replaced by T.
Protein change: p.Arg3178Trp; replaces arginine 3178 with tryptophan.
Molecular consequence: missense variant.
Genome position (GRCh38, 1-based): chrX:53,549,462, G>A on the plus strand (C>T on the coding strand, the complement: HUWE1 is on the minus strand). VCF-style: chrX-53549462-G-A. GRCh37 (hg19) VCF-style: chrX-53576423-G-A.
Other names: short protein forms R3178W.
Identifiers: ClinVar variation 2662595 (VCV002662595.2), dbSNP rs1556926625, ClinGen allele CA413138167.
Genomic context (GRCh38, chrX:53,549,462, plus strand): 5'-GCTCATCCACAAAAAGTAGGACCAAGAGACAAGAAAGGGCTTCGTGGTCCAGAAGGAGCC[G>A]TCCTCGGAGGCGGAGGAGAGTATCTACATTACTGCCAGAAGGCCTGGAAACAGAACATGG-3'
Protein context (NP_113584.3, residues 3168-3188): NVDTLLRLRG[Arg3178Trp]LLLDHEALSC